The following is an entry in ClinVar:

ClinVar aggregate classification (germline): Uncertain significance (1 of 4 stars; one submission).

Submission:

Labcorp Genetics (formerly Invitae), Labcorp
Classification: Uncertain significance. Last evaluated: 2022-02-01. Review status: criteria provided, single submitter. Criteria: Invitae Variant Classification Sherloc (09022015). Collection method: clinical testing. Allele origin: germline.
Comment: In summary, the available evidence is currently insufficient to determine the role of this variant in disease. Therefore, it has been classified as a Variant of Uncertain Significance. Algorithms developed to predict the effect of missense changes on protein structure and function are either unavailable or do not agree on the potential impact of this missense change (SIFT: "Not Available"; PolyPhen-2: "Probably Damaging"; Align-GVGD: "Not Available"). This variant has not been reported in the literature in individuals affected with NUP160-related conditions. This variant is not present in population databases (gnomAD no frequency). This sequence change replaces leucine, which is neutral and non-polar, with tryptophan, which is neutral and slightly polar, at codon 1219 of the NUP160 protein (p.Leu1219Trp).

NM_015231.3(NUP160):c.3554T>G (p.Leu1185Trp)

Gene: NUP160 (nucleoporin 160; minus strand). Cytogenetic location: 11p11.2.
Variant type: single nucleotide variant.
Coding change: c.3554T>G on transcript NM_015231.3 (MANE Select); coding-DNA position 3554, T replaced by G.
Protein change: p.Leu1185Trp; replaces leucine 1185 with tryptophan.
Molecular consequence: missense variant. On other transcripts: non-coding transcript variant (1).
Genome position (GRCh38, 1-based): chr11:47,788,272, A>C on the plus strand (T>G on the coding strand, the complement: NUP160 is on the minus strand). VCF-style: chr11-47788272-A-C. GRCh37 (hg19) VCF-style: chr11-47809824-A-C.
Other names: short protein forms L1185W.
Identifiers: ClinVar variation 2179768 (VCV002179768.4), dbSNP rs1382066574, ClinGen allele CA380369430.